The following is an entry in ClinVar:

NM_001040108.2(MLH3):c.469G>A (p.Val157Ile)

Gene: MLH3 (mutL homolog 3; minus strand). Cytogenetic location: 14q24.3.
Variant type: single nucleotide variant.
Coding change: c.469G>A on transcript NM_001040108.2 (MANE Select); coding-DNA position 469, G replaced by A.
Protein change: p.Val157Ile; replaces valine 157 with isoleucine.
Molecular consequence: missense variant.
Genome position (GRCh38, 1-based): chr14:75,049,187, C>T on the plus strand (G>A on the coding strand, the complement: MLH3 is on the minus strand). VCF-style: chr14-75049187-C-T. GRCh37 (hg19) VCF-style: chr14-75515890-C-T.
Other names: c.469G>A, p.Val157Ile (NM_014381.3); short protein forms V157I.
Identifiers: ClinVar variation 2563531 (VCV002563531.2), dbSNP rs2503327080, ClinGen allele CA390450128.

ClinVar aggregate classification (germline): Uncertain significance (1 of 4 stars; one submission).

gnomAD v4.1: 1 of 1,614,250 alleles (0.000062%); highest among the groups gnomAD compares: Non-Finnish European, 0.000085%; no homozygotes.

Submission:

Ambry Genetics
Classification: Uncertain significance. Last evaluated: 2023-04-07. Review status: criteria provided, single submitter. Criteria: Ambry Variant Classification Scheme 2023. Collection method: clinical testing. Allele origin: germline.
Comment: The p.V157I variant (also known as c.469G>A), located in coding exon 1 of the MLH3 gene, results from a G to A substitution at nucleotide position 469. The valine at codon 157 is replaced by isoleucine, an amino acid with highly similar properties. This amino acid position is conserved. In addition, the in silico prediction for this alteration is inconclusive. Since supporting evidence is limited at this time, the clinical significance of this alteration remains unclear.